The following is an entry in ClinVar:

NM_002184.4(IL6ST):c.215T>C (p.Phe72Ser)

Gene: IL6ST (interleukin 6 cytokine family signal transducer; minus strand). Cytogenetic location: 5q11.2.
Variant type: single nucleotide variant.
Coding change: c.215T>C on transcript NM_002184.4 (MANE Select); coding-DNA position 215, T replaced by C.
Protein change: p.Phe72Ser; replaces phenylalanine 72 with serine.
Molecular consequence: missense variant. On other transcripts: 5 prime UTR variant (3), non-coding transcript variant (2), intron variant (1).
Genome position (GRCh38, 1-based): chr5:55,969,705, A>G on the plus strand (T>C on the coding strand, the complement: IL6ST is on the minus strand). VCF-style: chr5-55969705-A-G. GRCh37 (hg19) VCF-style: chr5-55265533-A-G.
Other names: c.215T>C, p.Phe72Ser (NM_001190981.2, NM_001364275.2, NM_175767.3); c.-578T>C (NM_001364277.2, NM_001364279.2); c.-568T>C (NM_001364278.2); c.160+55T>C (NM_001364276.2); short protein forms F72S.
Identifiers: ClinVar variation 2840250 (VCV002840250.3), dbSNP rs777196478, ClinGen allele CA3271748.

ClinVar aggregate classification (germline): Uncertain significance (1 of 4 stars; one submission).

Allele frequency attached by ClinVar (database versions not stated): gnomAD exomes below 0.00001; TOPMed below 0.00001; ExAC 0.00001; gnomAD 0.00001.
gnomAD v4.1: 3 of 1,612,906 alleles (0.00019%); highest among the groups gnomAD compares: African/African-American, 0.004%; no homozygotes.

Submission:

Labcorp Genetics (formerly Invitae), Labcorp
Classification: Uncertain significance. Last evaluated: 2024-07-24. Review status: criteria provided, single submitter. Criteria: Invitae Variant Classification Sherloc (09022015). Collection method: clinical testing. Allele origin: germline.
Comment: This sequence change replaces phenylalanine, which is neutral and non-polar, with serine, which is neutral and polar, at codon 72 of the IL6ST protein (p.Phe72Ser). This variant is present in population databases (rs777196478, gnomAD 0.007%). This variant has not been reported in the literature in individuals affected with IL6ST-related conditions. An algorithm developed to predict the effect of missense changes on protein structure and function (PolyPhen-2) suggests that this variant is likely to be tolerated. In summary, the available evidence is currently insufficient to determine the role of this variant in disease. Therefore, it has been classified as a Variant of Uncertain Significance.